The following is an entry in ClinVar:

ClinVar aggregate classification (germline): Uncertain significance (1 of 4 stars; one submission).

Conditions:
Cardiovascular phenotype. Identifiers: MedGen CN230736.

Submission:

Ambry Genetics
Classification: Uncertain significance for Cardiovascular phenotype. Last evaluated: 2024-10-14. Review status: criteria provided, single submitter. Criteria: Ambry Variant Classification Scheme 2023. Collection method: clinical testing. Allele origin: germline.
Comment: The p.T329I variant (also known as c.986C>T), located in coding exon 8 of the AKAP9 gene, results from a C to T substitution at nucleotide position 986. The threonine at codon 329 is replaced by isoleucine, an amino acid with similar properties. This amino acid position is conserved. In addition, this alteration is predicted to be tolerated by in silico analysis. Based on the available evidence, the clinical significance of this variant remains unclear.

NM_005751.5(AKAP9):c.986C>T (p.Thr329Ile)

Gene: AKAP9 (A-kinase anchoring protein 9; plus strand). Cytogenetic location: 7q21.2.
Variant type: single nucleotide variant.
Coding change: c.986C>T on transcript NM_005751.5 (MANE Select); coding-DNA position 986, C replaced by T.
Protein change: p.Thr329Ile; replaces threonine 329 with isoleucine.
Molecular consequence: missense variant.
Genome position (GRCh38, 1-based): chr7:92,000,903, C>T. VCF-style: chr7-92000903-C-T. GRCh37 (hg19) VCF-style: chr7-91630217-C-T.
Other names: c.986C>T, p.Thr329Ile (NM_147185.3); short protein forms T329I.
Identifiers: ClinVar variation 3516831 (VCV003516831.1).